The following is an entry in ClinVar:

NM_000018.4(ACADVL):c.367G>T (p.Asp123Tyr)

Gene: ACADVL (acyl-CoA dehydrogenase very long chain; plus strand). Cytogenetic location: 17p13.1.
Variant type: single nucleotide variant.
Coding change: c.367G>T on transcript NM_000018.4 (MANE Select); coding-DNA position 367, G replaced by T.
Protein change: p.Asp123Tyr; replaces aspartic acid 123 with tyrosine.
Molecular consequence: missense variant.
Genome position (GRCh38, 1-based): chr17:7,220,948, G>T. VCF-style: chr17-7220948-G-T. GRCh37 (hg19) VCF-style: chr17-7124267-G-T.
Other names: c.301G>T, p.Asp101Tyr (NM_001033859.3); c.436G>T, p.Asp146Tyr (NM_001270447.2); c.139G>T, p.Asp47Tyr (NM_001270448.2); short protein forms D146Y, D47Y, D123Y, D101Y.
Identifiers: ClinVar variation 932750 (VCV000932750.2), dbSNP rs1347143307, ClinGen allele CA397722754.

ClinVar aggregate classification (germline): Uncertain significance (1 of 4 stars; one submission).

Conditions:
Very long chain acyl-CoA dehydrogenase deficiency (ACADVLD). Also called: Very Long-Chain Acyl-Coenzyme A Dehydrogenase Deficiency; VLCAD Deficiency. Identifiers: Orphanet 26793, MedGen C3887523, MONDO:0008723, OMIM 201475.

Submission:

Wong Mito Lab, Molecular and Human Genetics, Baylor College of Medicine
Classification: Uncertain significance for Very long chain acyl-CoA dehydrogenase deficiency. Last evaluated: 2019-11-01. Review status: criteria provided, single submitter. Criteria: ACMG Guidelines, 2015. Collection method: clinical testing. Allele origin: germline.
Comment: The NM_000018.3:c.367G>T (NP_000009.1:p.Asp123Tyr) [GRCH38: NC_000017.11:g.7220948G>T] variant in ACADVL gene is interpretated to be Uncertain Significance based on ACMG guidelines (PMID: 25741868). This variant has been reported. This variant meets the following evidence codes reported in the ACMG guidelines: PP3